The following is an entry in ClinVar:

NM_001754.5(RUNX1):c.125C>A (p.Pro42Gln)

Gene: RUNX1 (RUNX family transcription factor 1; minus strand). Cytogenetic location: 21q22.12.
Variant type: single nucleotide variant.
Coding change: c.125C>A on transcript NM_001754.5 (MANE Select); coding-DNA position 125, C replaced by A.
Protein change: p.Pro42Gln; replaces proline 42 with glutamine.
Molecular consequence: missense variant.
Genome position (GRCh38, 1-based): chr21:34,887,069, G>T on the plus strand (C>A on the coding strand, the complement: RUNX1 is on the minus strand). VCF-style: chr21-34887069-G-T. GRCh37 (hg19) VCF-style: chr21-36259366-G-T.
Other names: NM_001754.5(RUNX1):c.125C>A; p.Pro42Gln; c.44C>A, p.Pro15Gln (NM_001001890.3, NM_001122607.2); short protein forms P15Q, P42Q.
Identifiers: ClinVar variation 1371567 (VCV001371567.9), dbSNP rs2146414125, ClinGen allele CA410204234.

ClinVar aggregate classification (germline): Uncertain significance. Review status: reviewed by expert panel (3 of 4 stars). 2 submissions from 2 submitters: Uncertain significance (1). 1 of the submissions does not count toward it. Last evaluated 2024-10-29.

Conditions:
Hereditary thrombocytopenia and hematologic cancer predisposition syndrome. Identifiers: Orphanet 71290, MedGen CN281654, MONDO:0011071.
Hereditary thrombocytopenia and hematological cancer predisposition syndrome associated with RUNX1. Also called: Familial Platelet Disorder with Propensity to Acute Myelogenous Leukemia; Familial thrombocytopenia with propensity to acute myelogenous leukemia; PLATELET DISORDER, ASPIRIN-LIKE; RUNX1 Familial Platelet Disorder with Associated Myeloid Malignancies. Identifiers: Orphanet 71290, MedGen C1832388, MeSH C563324, MONDO:0100083, OMIM 601399.

Submissions (2):

ClinGen Myeloid Malignancy Variant Curation Expert Panel
Classification: Uncertain significance for Hereditary thrombocytopenia and hematologic cancer predisposition syndrome. Last evaluated: 2024-10-29. Review status: reviewed by expert panel. Criteria: ClinGen MyeloMalig ACMG Specifications v2. Collection method: curation. Allele origin: germline. Inheritance: Autosomal dominant inheritance.
Comment: NM_001754.5(RUNX1):c.125C>A (p.Pro42Gln) is a missense variant which is completely absent from all population databases with at least 20x coverage for RUNX1 (PM2_Supporting). In summary, the clinical significance of this variant is uncertain. ACMG/AMP criteria applied, as specified by the Myeloid Malignancy Variant Curation Expert Panel for RUNX1: PM2_supporting.

Labcorp Genetics (formerly Invitae), Labcorp
Classification: Uncertain significance for Hereditary thrombocytopenia and hematological cancer predisposition syndrome associated with RUNX1. Last evaluated: 2022-11-29. Review status: criteria provided, single submitter. Criteria: Invitae Variant Classification Sherloc (09022015). Collection method: clinical testing. Allele origin: germline. Not counted in ClinVar's aggregate classification.
Comment: This sequence change replaces proline, which is neutral and non-polar, with glutamine, which is neutral and polar, at codon 42 of the RUNX1 protein (p.Pro42Gln). This variant is not present in population databases (gnomAD no frequency). This variant has not been reported in the literature in individuals affected with RUNX1-related conditions. ClinVar contains an entry for this variant (Variation ID: 1371567). Advanced modeling of protein sequence and biophysical properties (such as structural, functional, and spatial information, amino acid conservation, physicochemical variation, residue mobility, and thermodynamic stability) has been performed at Invitae for this missense variant, however the output from this modeling did not meet the statistical confidence thresholds required to predict the impact of this variant on RUNX1 protein function. In summary, the available evidence is currently insufficient to determine the role of this variant in disease. Therefore, it has been classified as a Variant of Uncertain Significance.